The following is an entry in ClinVar:

ClinVar aggregate classification (germline): Uncertain significance. Review status: criteria provided, multiple submitters, no conflicts (2 of 4 stars). 2 submissions from 2 submitters: Uncertain significance (2). Last evaluated 2024-11-15.

Allele frequency attached by ClinVar (database versions not stated): gnomAD 0.00001; TOPMed 0.00004.
gnomAD v4.1: 9 of 1,469,498 alleles (0.00061%); highest among the groups gnomAD compares: African/African-American, 0.0028%; no homozygotes.

Submissions (2):

Blueprint Genetics
Classification: Uncertain significance. Last evaluated: 2024-11-15. Review status: criteria provided, single submitter. Criteria: ACMG Guidelines, 2015. Collection method: clinical testing. Allele origin: germline.

Labcorp Genetics (formerly Invitae), Labcorp
Classification: Uncertain significance. Last evaluated: 2022-09-27. Review status: criteria provided, single submitter. Criteria: Invitae Variant Classification Sherloc (09022015). Collection method: clinical testing. Allele origin: germline.
Comment: In summary, the available evidence is currently insufficient to determine the role of this variant in disease. Therefore, it has been classified as a Variant of Uncertain Significance. Advanced modeling of protein sequence and biophysical properties (such as structural, functional, and spatial information, amino acid conservation, physicochemical variation, residue mobility, and thermodynamic stability) performed at Invitae indicates that this missense variant is not expected to disrupt POC1B protein function. ClinVar contains an entry for this variant (Variation ID: 1054079). This variant has not been reported in the literature in individuals affected with POC1B-related conditions. This variant is not present in population databases (gnomAD no frequency). This sequence change replaces alanine, which is neutral and non-polar, with threonine, which is neutral and polar, at codon 2 of the POC1B protein (p.Ala2Thr).

NM_172240.3(POC1B):c.4G>A (p.Ala2Thr)

Genes: POC1B (POC1 centriolar protein B; minus strand), POC1B-AS1 (POC1B antisense RNA 1; plus strand), POC1B-DUSP6 (POC1B-DUSP6 readthrough; minus strand), POC1B-GALNT4 (POC1B-GALNT4 readthrough; minus strand), LOC130008357 (ATAC-STARR-seq lymphoblastoid silent region 4694; plus strand). Cytogenetic location: 12q21.33.
Variant type: single nucleotide variant.
Coding change: c.4G>A on transcript NM_172240.3 (MANE Select); coding-DNA position 4, G replaced by A.
Protein change: p.Ala2Thr; replaces alanine 2 with threonine.
Molecular consequence: missense variant. On other transcripts: nonsense (1), non-coding transcript variant (1).
Genome position (GRCh38, 1-based): chr12:89,525,892, C>T on the plus strand (G>A on the coding strand, the complement: POC1B is on the minus strand). VCF-style: chr12-89525892-C-T. GRCh37 (hg19) VCF-style: chr12-89919669-C-T.
Other names: c.4G>A, p.Ala2Thr (NM_001199781.2); c.264G>A, p.Trp88Ter (NM_001199782.1); short protein forms A2T, W88*.
Identifiers: ClinVar variation 1054079 (VCV001054079.9), dbSNP rs777724193, ClinGen allele CA6715019.